The following is an entry in ClinVar:

ClinVar aggregate classification (germline): Uncertain significance (1 of 4 stars; one submission).

Submission:

Labcorp Genetics (formerly Invitae), Labcorp
Classification: Uncertain significance. Last evaluated: 2025-02-17. Review status: criteria provided, single submitter. Criteria: Invitae Variant Classification Sherloc (09022015). Collection method: clinical testing. Allele origin: germline.
Comment: This sequence change replaces lysine, which is basic and polar, with glutamic acid, which is acidic and polar, at codon 1261 of the TTC37 protein (p.Lys1261Glu). This variant is not present in population databases (gnomAD no frequency). This variant has not been reported in the literature in individuals affected with TTC37-related conditions. ClinVar contains an entry for this variant (Variation ID: 2860983). An algorithm developed to predict the effect of missense changes on protein structure and function (PolyPhen-2) suggests that this variant is likely to be disruptive. In summary, the available evidence is currently insufficient to determine the role of this variant in disease. Therefore, it has been classified as a Variant of Uncertain Significance.

NM_014639.4(SKIC3):c.3781A>G (p.Lys1261Glu)

Gene: SKIC3 (SKI3 subunit of superkiller complex; minus strand). Cytogenetic location: 5q15.
Variant type: single nucleotide variant.
Coding change: c.3781A>G on transcript NM_014639.4 (MANE Select); coding-DNA position 3781, A replaced by G.
Protein change: p.Lys1261Glu; replaces lysine 1261 with glutamic acid.
Molecular consequence: missense variant.
Genome position (GRCh38, 1-based): chr5:95,494,703, T>C on the plus strand (A>G on the coding strand, the complement: SKIC3 is on the minus strand). VCF-style: chr5-95494703-T-C. GRCh37 (hg19) VCF-style: chr5-94830407-T-C.
Other names: short protein forms K1261E.
Identifiers: ClinVar variation 2860983 (VCV002860983.3), dbSNP rs1580170679, ClinGen allele CA360448827.